The following is an entry in ClinVar:

ClinVar aggregate classification (germline): Uncertain significance. Review status: criteria provided, multiple submitters, no conflicts (2 of 4 stars). 4 submissions from 4 submitters: Uncertain significance (4). Last evaluated 2025-12-30.

Conditions:
Spondylodysplastic Ehlers-Danlos syndrome. Identifiers: Orphanet 536471, Orphanet 75496, MedGen C5680154, MONDO:0007526.
Inborn genetic diseases. Identifiers: MedGen C0950123, MeSH D030342.

Allele frequency attached by ClinVar (database versions not stated): gnomAD exomes below 0.00001 and 0.00001; gnomAD 0.00001; TOPMed 0.00001.
gnomAD v4.1: 13 of 1,613,250 alleles (0.00081%); highest among the groups gnomAD compares: South Asian, 0.0022%; no homozygotes.

Submissions (4):

Women's Health and Genetics/Laboratory Corporation of America, LabCorp
Classification: Uncertain significance. Last evaluated: 2025-12-30. Review status: criteria provided, single submitter. Criteria: LabCorp Variant Classification Summary - May 2015. Collection method: clinical testing. Allele origin: germline.
Comment: Variant summary: B4GALT7 c.601G>A (p.Gly201Ser) results in a non-conservative amino acid change in the encoded protein sequence. Algorithms developed to predict the effect of missense changes on protein structure and function are either unavailable or do not agree on the potential impact of this missense change. The variant allele was found at a frequency of 4e-06 in 250730 control chromosomes. The available data on variant occurrences in the general population are insufficient to allow any conclusion about variant significance. To our knowledge, no occurrence of c.601G>A in individuals affected with B4GALT7-related conditions and no experimental evidence demonstrating its impact on protein function have been reported. ClinVar contains an entry for this variant (Variation ID: 871932). Based on the evidence outlined above, the variant was classified as uncertain significance.

Ambry Genetics
Classification: Uncertain significance for Inborn genetic diseases. Last evaluated: 2024-10-20. Review status: criteria provided, single submitter. Criteria: Ambry Variant Classification Scheme 2023. Collection method: clinical testing. Allele origin: germline.

Labcorp Genetics (formerly Invitae), Labcorp
Classification: Uncertain significance for Spondylodysplastic Ehlers-Danlos syndrome. Last evaluated: 2022-07-24. Review status: criteria provided, single submitter. Criteria: Invitae Variant Classification Sherloc (09022015). Collection method: clinical testing. Allele origin: germline.
Comment: This sequence change replaces glycine, which is neutral and non-polar, with serine, which is neutral and polar, at codon 201 of the B4GALT7 protein (p.Gly201Ser). This variant is present in population databases (no rsID available, gnomAD 0.0009%). This variant has not been reported in the literature in individuals affected with B4GALT7-related conditions. ClinVar contains an entry for this variant (Variation ID: 871932). Algorithms developed to predict the effect of missense changes on protein structure and function are either unavailable or do not agree on the potential impact of this missense change (SIFT: "Deleterious"; PolyPhen-2: "Probably Damaging"; Align-GVGD: "Class C0"). In summary, the available evidence is currently insufficient to determine the role of this variant in disease. Therefore, it has been classified as a Variant of Uncertain Significance.

CeGaT Center for Human Genetics Tuebingen
Classification: Uncertain significance. Last evaluated: 2020-01-01. Review status: criteria provided, single submitter. Criteria: CeGaT Center For Human Genetics Tuebingen Variant Classification Criteria Version 2. Collection method: clinical testing. Allele origin: germline. Affected: yes. Observed: 1 variant allele.

NM_007255.3(B4GALT7):c.601G>A (p.Gly201Ser)

Gene: B4GALT7 (beta-1,4-galactosyltransferase 7; plus strand). Cytogenetic location: 5q35.3.
Variant type: single nucleotide variant.
Coding change: c.601G>A on transcript NM_007255.3 (MANE Select); coding-DNA position 601, G replaced by A.
Protein change: p.Gly201Ser; replaces glycine 201 with serine.
Molecular consequence: missense variant.
Genome position (GRCh38, 1-based): chr5:177,607,489, G>A. VCF-style: chr5-177607489-G-A. GRCh37 (hg19) VCF-style: chr5-177034490-G-A.
Other names: c.601G>A (NM_007255.2); short protein forms G201S.
Identifiers: ClinVar variation 871932 (VCV000871932.44), dbSNP rs935389752, ClinGen allele CA132894876.